The following is an entry in ClinVar:

ClinVar aggregate classification (germline): Uncertain significance. Review status: criteria provided, multiple submitters, no conflicts (2 of 4 stars). 2 submissions from 2 submitters: Uncertain significance (2). Last evaluated 2026-01-05.

Conditions:
PACS1-related disorder. Also called: PACS1-related condition.
Schuurs-Hoeijmakers syndrome. Also called: PACS1-Related Neurodevelopmental Disorder. Identifiers: Orphanet 329224, MedGen C3554343, MONDO:0014006, OMIM 615009.

Submissions (2):

Labcorp Genetics (formerly Invitae), Labcorp
Classification: Uncertain significance for Schuurs-Hoeijmakers syndrome. Last evaluated: 2026-01-05. Review status: criteria provided, single submitter. Criteria: Invitae Variant Classification Sherloc (09022015). Collection method: clinical testing. Allele origin: germline.
Comment: This sequence change replaces methionine, which is neutral and non-polar, with valine, which is neutral and non-polar, at codon 130 of the PACS1 protein (p.Met130Val). This variant is not present in population databases (gnomAD no frequency). This variant has not been reported in the literature in individuals affected with PACS1-related conditions. ClinVar contains an entry for this variant (Variation ID: 2637070). Invitae Evidence Modeling of protein sequence and biophysical properties (such as structural, functional, and spatial information, amino acid conservation, physicochemical variation, residue mobility, and thermodynamic stability) indicates that this missense variant is not expected to disrupt PACS1 protein function with a negative predictive value of 80%. In summary, the available evidence is currently insufficient to determine the role of this variant in disease. Therefore, it has been classified as a Variant of Uncertain Significance.

PreventionGenetics, part of Exact Sciences
Classification: Uncertain significance for PACS1-related condition. Last evaluated: 2022-10-05. Review status: criteria provided, single submitter. Criteria: ACMG Guidelines, 2015. Collection method: clinical testing. Allele origin: germline.
Comment: The PACS1 c.388A>G variant is predicted to result in the amino acid substitution p.Met130Val. To our knowledge, this variant has not been reported in the literature or in a large population database, indicating this variant is rare. At this time, the clinical significance of this variant is uncertain due to the absence of conclusive functional and genetic evidence.

NM_018026.4(PACS1):c.388A>G (p.Met130Val)

Gene: PACS1 (phosphofurin acidic cluster sorting protein 1; plus strand). Cytogenetic location: 11q13.2.
Variant type: single nucleotide variant.
Coding change: c.388A>G on transcript NM_018026.4 (MANE Select); coding-DNA position 388, A replaced by G.
Protein change: p.Met130Val; replaces methionine 130 with valine.
Molecular consequence: missense variant.
Genome position (GRCh38, 1-based): chr11:66,193,517, A>G. VCF-style: chr11-66193517-A-G. GRCh37 (hg19) VCF-style: chr11-65960988-A-G.
Other names: short protein forms M130V.
Identifiers: ClinVar variation 2637070 (VCV002637070.2), dbSNP rs2495502189, ClinGen allele CA381508460.